The following is an entry in ClinVar:

NM_007270.5(FKBP9):c.958G>A (p.Glu320Lys)

Gene: FKBP9 (FKBP prolyl isomerase 9; plus strand). Cytogenetic location: 7p14.3.
Variant type: single nucleotide variant.
Coding change: c.958G>A on transcript NM_007270.5 (MANE Select); coding-DNA position 958, G replaced by A.
Protein change: p.Glu320Lys; replaces glutamic acid 320 with lysine.
Molecular consequence: missense variant.
Genome position (GRCh38, 1-based): chr7:32,988,571, G>A. VCF-style: chr7-32988571-G-A. GRCh37 (hg19) VCF-style: chr7-33028183-G-A.
Other names: c.1117G>A, p.Glu373Lys (NM_001284341.2); c.262G>A, p.Glu88Lys (NM_001284343.2); short protein forms E320K, E373K, E88K.
Identifiers: ClinVar variation 4681294 (VCV004681294.5).

ClinVar aggregate classification (germline): Likely benign (1 of 4 stars; one submission).

gnomAD v4.1: 9,631 of 1,613,896 alleles (0.6%); highest among the groups gnomAD compares: Non-Finnish European, 0.71%; 39 homozygotes.

Submission:

CeGaT Center for Human Genetics Tuebingen
Classification: Likely benign. Last evaluated: 2025-12-01. Review status: criteria provided, single submitter. Criteria: CeGaT Center For Human Genetics Tuebingen Variant Classification Criteria Version 2. Collection method: clinical testing. Allele origin: germline. Affected: yes. Observed: 1 variant allele.
Comment: FKBP9: BS2